The following is an entry in ClinVar:

ClinVar aggregate classification (germline): Likely benign (0 of 4 stars; one submission).

Conditions:
RAI1-related disorder. Also called: RAI1-related condition.

gnomAD v4.1: 2 of 1,609,672 alleles (0.00012%); highest among the groups gnomAD compares: Non-Finnish European, 0.00017%; no homozygotes.

Submission:

PreventionGenetics, part of Exact Sciences
Classification: Likely benign for RAI1-related condition. Last evaluated: 2021-08-09. Review status: no assertion criteria provided. Collection method: clinical testing. Allele origin: germline.
Comment: This variant is classified as likely benign based on ACMG/AMP sequence variant interpretation guidelines (Richards et al. 2015 PMID: 25741868, with internal and published modifications).

NM_030665.4(RAI1):c.5436G>T (p.Pro1812=)

Gene: RAI1 (retinoic acid induced 1; plus strand). Cytogenetic location: 17p11.2.
Variant type: single nucleotide variant.
Coding change: c.5436G>T on transcript NM_030665.4 (MANE Select); coding-DNA position 5436, G replaced by T.
Protein change: p.Pro1812=; no amino-acid change (proline 1812 retained).
Molecular consequence: synonymous variant.
Genome position (GRCh38, 1-based): chr17:17,798,384, G>T. VCF-style: chr17-17798384-G-T. GRCh37 (hg19) VCF-style: chr17-17701698-G-T.
Identifiers: ClinVar variation 3357285 (VCV003357285.1).